The following is an entry in ClinVar:

ClinVar aggregate classification (germline): Likely benign. Review status: criteria provided, multiple submitters, no conflicts (2 of 4 stars). 3 submissions from 3 submitters: Likely benign (3). Last evaluated 2025-12-24.

Conditions:
Inborn genetic diseases. Identifiers: MedGen C0950123, MeSH D030342.
Collagen 6-related myopathy. Identifiers: MedGen CN117976, MONDO:0100225.
Bethlem myopathy 1A. Also called: MYOPATHY, BENIGN CONGENITAL, WITH CONTRACTURES; Bethlem myopathy 1; Bethlem Muscular Dystrophy. Identifiers: Orphanet 610, MedGen CN029274, MONDO:0024530, OMIM 158810.

Allele frequency attached by ClinVar (database versions not stated): gnomAD 0.00001; gnomAD exomes 0.00001 and 0.00002; TOPMed 0.00001; ExAC 0.00003.
gnomAD v4.1: 13 of 1,604,930 alleles (0.00081%); highest among the groups gnomAD compares: East Asian, 0.0022%; no homozygotes.

Submissions (3):

Ambry Genetics
Classification: Likely benign for Inborn genetic diseases. Last evaluated: 2025-12-24. Review status: criteria provided, single submitter. Criteria: Ambry Variant Classification Scheme 2023. Collection method: clinical testing. Allele origin: germline.

Labcorp Genetics (formerly Invitae), Labcorp
Classification: Likely benign for Bethlem myopathy 1A. Last evaluated: 2025-11-24. Review status: criteria provided, single submitter. Criteria: Invitae Variant Classification Sherloc (09022015). Collection method: clinical testing. Allele origin: germline.

Illumina Laboratory Services, Illumina
Classification: Likely benign for Collagen VI-related myopathy. Last evaluated: 2018-01-13. Review status: criteria provided, single submitter. Criteria: ICSL Variant Classification Criteria 13 December 2019. Collection method: clinical testing. Allele origin: germline.
Comment: This variant was observed in the ICSL laboratory as part of a predisposition screen in an ostensibly healthy population. It had not been previously curated by ICSL or reported in the Human Gene Mutation Database (HGMD: prior to June 1st, 2018), and was therefore a candidate for classification through an automated scoring system. Utilizing variant allele frequency, disease prevalence and penetrance estimates, and inheritance mode, an automated score was calculated to assess if this variant is too frequent to cause the disease. Based on the score and internal cut-off values, a variant classified as likely benign is not then subjected to further curation. The score for this variant resulted in a classification of likely benign for this disease.

NM_001849.4(COL6A2):c.2760C>T (p.Gly920=)

Gene: COL6A2 (collagen type VI alpha 2 chain; plus strand). Cytogenetic location: 21q22.3.
Variant type: single nucleotide variant.
Coding change: c.2760C>T on transcript NM_001849.4 (MANE Select); coding-DNA position 2760, C replaced by T.
Protein change: p.Gly920=; no amino-acid change (glycine 920 retained).
Molecular consequence: synonymous variant.
Genome position (GRCh38, 1-based): chr21:46,132,252, C>T. VCF-style: chr21-46132252-C-T. GRCh37 (hg19) VCF-style: chr21-47552166-C-T.
Identifiers: ClinVar variation 895135 (VCV000895135.12), dbSNP rs751630559, ClinGen allele CA10073011.
Genomic context (GRCh38, chr21:46,132,252, plus strand): 5'-CATCCACGAGGCGCTGGAGACCACACAATACCTGAACTCCTTCTCGCACGTGGGCGCAGG[C>T]GTGGTGCACGCCATCAATGCCATCGTGCGCAGCCCGCGTGGCGGGGCCCGGAGGCACGCA-3'
Protein context (NP_001840.3, residues 910-930): YLNSFSHVGA[Gly920=]VVHAINAIVR